The following is an entry in ClinVar:

ClinVar aggregate classification (germline): Uncertain significance (1 of 4 stars; one submission).

Conditions:
Early-infantile DEE. Also called: Early infantile epileptic encephalopathy; Early infantile epileptic encephalopathy with suppression bursts; Ohtahara syndrome. Identifiers: Orphanet 1934, MedGen C0393706, MONDO:0800491.

Allele frequency attached by ClinVar (database versions not stated): gnomAD exomes below 0.00001; ExAC 0.00001; ESP Exome Variant Server 0.00008.

Submission:

Labcorp Genetics (formerly Invitae), Labcorp
Classification: Uncertain significance for Early-infantile DEE. Last evaluated: 2020-11-26. Review status: criteria provided, single submitter. Criteria: Invitae Variant Classification Sherloc (09022015). Collection method: clinical testing. Allele origin: germline.
Comment: This sequence change replaces cysteine with tyrosine at codon 1031 of the CACNA2D2 protein (p.Cys1031Tyr). The cysteine residue is highly conserved and there is a large physicochemical difference between cysteine and tyrosine. In summary, the available evidence is currently insufficient to determine the role of this variant in disease. Therefore, it has been classified as a Variant of Uncertain Significance. Algorithms developed to predict the effect of missense changes on protein structure and function (SIFT, PolyPhen-2, Align-GVGD) all suggest that this variant is likely to be disruptive, but these predictions have not been confirmed by published functional studies and their clinical significance is uncertain. This variant has not been reported in the literature in individuals with CACNA2D2-related conditions. This variant is present in population databases (rs368251571, ExAC 0.01%).

NM_006030.4(CACNA2D2):c.3092G>A (p.Cys1031Tyr)

Genes: CACNA2D2 (calcium voltage-gated channel auxiliary subunit alpha2delta 2; minus strand), LOC127898564 (CYB561D2-LOC101928965; plus strand). Cytogenetic location: 3p21.31.
Variant type: single nucleotide variant.
Coding change: c.3092G>A on transcript NM_006030.4 (MANE Select); coding-DNA position 3092, G replaced by A.
Protein change: p.Cys1031Tyr; replaces cysteine 1031 with tyrosine.
Molecular consequence: missense variant.
Genome position (GRCh38, 1-based): chr3:50,365,362, C>T on the plus strand (G>A on the coding strand, the complement: CACNA2D2 is on the minus strand). VCF-style: chr3-50365362-C-T. GRCh37 (hg19) VCF-style: chr3-50402793-C-T.
Other names: c.3092G>A, p.Cys1031Tyr (NM_001005505.3); c.3113G>A, p.Cys1038Tyr (NM_001174051.3); c.2885G>A, p.Cys962Tyr (NM_001291101.1); short protein forms C1031Y, C1038Y, C962Y.
Identifiers: ClinVar variation 1351727 (VCV001351727.9), dbSNP rs368251571, ClinGen allele CA2418240.